The following is an entry in ClinVar:

ClinVar aggregate classification (germline): Pathogenic. Review status: criteria provided, multiple submitters, no conflicts (2 of 4 stars). 3 submissions from 3 submitters: Pathogenic (2). 1 of the submissions does not count toward it. Last evaluated 2025-12-07.

Conditions:
Polycystic kidney disease 4 (PKD4). Also called: POLYCYSTIC KIDNEY DISEASE 4 WITH OR WITHOUT POLYCYSTIC LIVER DISEASE; POLYCYSTIC KIDNEY AND HEPATIC DISEASE 1; POLYCYSTIC KIDNEY DISEASE, INFANTILE, TYPE I; PKD3; Autosomal Recessive Polycystic Kidney Disease – PKHD1. Identifiers: MedGen C4540575, MONDO:0033004, OMIM 263200.
Autosomal recessive polycystic kidney disease (ARPKD). Also called: AR polycystic kidney disease. Identifiers: Orphanet 731, Orphanet 8378, MedGen C0085548, MeSH D017044, MONDO:0009889.

Submissions (3):

Natera, Inc.
Classification: Pathogenic for Autosomal recessive polycystic kidney disease. Last evaluated: 2025-12-07. Review status: criteria provided, single submitter. Criteria: Natera Variant Classification Schema (03/2026). Collection method: clinical testing. Allele origin: germline.
Comment: The c.5448T>A variant in PKHD1 is a nonsense variant predicted to introduce a stop codon at amino acid 1816. This variant is expected to result in nonsense mediated decay, truncation, or a dysfunctional protein product. This variant is rare in the general population with a frequency below the threshold expected for the associated phenotype(s). This variant has been observed in one or more individuals affected with the associated recessive disease, as either homozygous or compound heterozygous with a second variant (PMID: 24162162). Given the available evidence, this variant is classified as Pathogenic.

Labcorp Genetics (formerly Invitae), Labcorp
Classification: Pathogenic for Autosomal recessive polycystic kidney disease. Last evaluated: 2021-02-21. Review status: criteria provided, single submitter. Criteria: Invitae Variant Classification Sherloc (09022015). Collection method: clinical testing. Allele origin: germline.
Comment: For these reasons, this variant has been classified as Pathogenic. This variant has been observed in individual(s) with autosomal recessive polycystic kidney disease (PMID: 24162162). ClinVar contains an entry for this variant (Variation ID: 550965). This variant is not present in population databases (ExAC no frequency). This sequence change creates a premature translational stop signal (p.Tyr1816*) in the PKHD1 gene. It is expected to result in an absent or disrupted protein product. Loss-of-function variants in PKHD1 are known to be pathogenic (PMID: 19940839).

Counsyl
Classification: Likely pathogenic for Polycystic kidney disease 4. Last evaluated: 2017-03-02. Review status: no assertion criteria provided. Collection method: clinical testing. Allele origin: unknown. Not counted in ClinVar's aggregate classification.

Literature cited by the submitters: PubMed 24162162 (cited by 3 submitters); PubMed 19940839 (cited by Labcorp Genetics (formerly Invitae), Labcorp).

NM_138694.4(PKHD1):c.5448T>A (p.Tyr1816Ter)

Gene: PKHD1 (PKHD1 ciliary IPT domain containing fibrocystin/polyductin; minus strand). Cytogenetic location: 6p12.2.
Variant type: single nucleotide variant.
Coding change: c.5448T>A on transcript NM_138694.4 (MANE Select); coding-DNA position 5448, T replaced by A.
Protein change: p.Tyr1816Ter; replaces tyrosine 1816 with a stop codon.
Molecular consequence: nonsense.
Genome position (GRCh38, 1-based): chr6:52,017,562, A>T on the plus strand (T>A on the coding strand, the complement: PKHD1 is on the minus strand). VCF-style: chr6-52017562-A-T. GRCh37 (hg19) VCF-style: chr6-51882360-A-T.
Other names: c.5448T>A, p.Tyr1816Ter (NM_170724.3); short protein forms Y1816*.
Identifiers: ClinVar variation 550965 (VCV000550965.11), dbSNP rs1554194511, ClinGen allele CA364426119.